The following is an entry in ClinVar:

ClinVar aggregate classification (germline): Uncertain significance (1 of 4 stars; one submission).

gnomAD v4.1: 1 of 1,612,914 alleles (0.000062%); highest among the groups gnomAD compares: Non-Finnish European, 0.000085%; no homozygotes.

Submission:

Labcorp Genetics (formerly Invitae), Labcorp
Classification: Uncertain significance. Last evaluated: 2025-03-09. Review status: criteria provided, single submitter. Criteria: Invitae Variant Classification Sherloc (09022015). Collection method: clinical testing. Allele origin: germline.
Comment: This sequence change replaces leucine, which is neutral and non-polar, with proline, which is neutral and non-polar, at codon 1666 of the COL11A2 protein (p.Leu1666Pro). This variant is present in population databases (no rsID available, gnomAD 0.0009%). This variant has not been reported in the literature in individuals affected with COL11A2-related conditions. Invitae Evidence Modeling of protein sequence and biophysical properties (such as structural, functional, and spatial information, amino acid conservation, physicochemical variation, residue mobility, and thermodynamic stability) indicates that this missense variant is not expected to disrupt COL11A2 protein function with a negative predictive value of 95%. In summary, the available evidence is currently insufficient to determine the role of this variant in disease. Therefore, it has been classified as a Variant of Uncertain Significance.

NM_080680.3(COL11A2):c.4997T>C (p.Leu1666Pro)

Gene: COL11A2 (collagen type XI alpha 2 chain; minus strand). Cytogenetic location: 6p21.32.
Variant type: single nucleotide variant.
Coding change: c.4997T>C on transcript NM_080680.3 (MANE Select); coding-DNA position 4997, T replaced by C.
Protein change: p.Leu1666Pro; replaces leucine 1666 with proline.
Molecular consequence: missense variant.
Genome position (GRCh38, 1-based): chr6:33,164,340, A>G on the plus strand (T>C on the coding strand, the complement: COL11A2 is on the minus strand). VCF-style: chr6-33164340-A-G. GRCh37 (hg19) VCF-style: chr6-33132117-A-G.
Other names: c.4817T>C, p.Leu1606Pro (NM_001424108.1); c.4151T>C, p.Leu1384Pro (NM_001424109.1); c.3971T>C, p.Leu1324Pro (NM_001424110.1, NM_001424111.1); c.2951T>C, p.Leu984Pro (NM_001424112.1); c.4676T>C, p.Leu1559Pro (NM_080679.3); c.4739T>C, p.Leu1580Pro (NM_080681.3); short protein forms L1324P, L1384P, L1559P, L1580P, L1606P, L1666P, L984P.
Identifiers: ClinVar variation 4811481 (VCV004811481.1).